The following is an entry in ClinVar:

NM_014974.3(DIP2C):c.3113T>A (p.Ile1038Lys)

Gene: DIP2C (DIP2 acetate--CoA ligase C (putative); minus strand). Cytogenetic location: 10p15.3.
Variant type: single nucleotide variant.
Coding change: c.3113T>A on transcript NM_014974.3 (MANE Select); coding-DNA position 3113, T replaced by A.
Protein change: p.Ile1038Lys; replaces isoleucine 1038 with lysine.
Molecular consequence: missense variant.
Genome position (GRCh38, 1-based): chr10:348,759, A>T on the plus strand (T>A on the coding strand, the complement: DIP2C is on the minus strand). VCF-style: chr10-348759-A-T. GRCh37 (hg19) VCF-style: chr10-394699-A-T.
Other names: short protein forms I1038K.
Identifiers: ClinVar variation 1433755 (VCV001433755.6), dbSNP rs961287812, ClinGen allele CA375830887.
Genomic context (GRCh38, chr10:348,759, plus strand): 5'-CGGACGGTTATTGGCACACAGCCTGCGTACAGGCAACCATAAAACGCTGCTATCAGGTCT[A>T]TTCCTACACAAGGAGAGAAACATCATCATTGAAGCAGACCACGCTGCTGAGTGCACACTC-3'
Protein context (NP_055789.1, residues 1028-1048): DHVALVYPPG[Ile1038Lys]DLIAAFYGCL

ClinVar aggregate classification (germline): Uncertain significance (1 of 4 stars; one submission).

Submission:

Labcorp Genetics (formerly Invitae), Labcorp
Classification: Uncertain significance. Last evaluated: 2021-10-03. Review status: criteria provided, single submitter. Criteria: Invitae Variant Classification Sherloc (09022015). Collection method: clinical testing. Allele origin: germline.
Comment: This sequence change replaces isoleucine with lysine at codon 1038 of the DIP2C protein (p.Ile1038Lys). The isoleucine residue is moderately conserved and there is a moderate physicochemical difference between isoleucine and lysine. This variant is not present in population databases (ExAC no frequency). This variant has not been reported in the literature in individuals affected with DIP2C-related conditions. Algorithms developed to predict the effect of missense changes on protein structure and function are either unavailable or do not agree on the potential impact of this missense change (SIFT: "Deleterious"; PolyPhen-2: "Possibly Damaging"; Align-GVGD: "Class C0"). In summary, the available evidence is currently insufficient to determine the role of this variant in disease. Therefore, it has been classified as a Variant of Uncertain Significance.